The following is an entry in ClinVar:

ClinVar aggregate classification (germline): Pathogenic. Review status: criteria provided, single submitter (1 of 4 stars). 2 submissions from 1 submitter: Pathogenic (2). Last evaluated 2018-08-07.

Conditions:
Pulmonary hypertension, primary, 1 (PPH1). Also called: Pulmonary hypertension, familial primary, 1, with or without HHT. Identifiers: Orphanet 422, MedGen C4552070, MONDO:0024533, OMIM 178600.
Primary pulmonary hypertension. Also called: Idiopathic pulmonary hypertension. Identifiers: MedGen C0152171.

Submissions (2):

Labcorp Genetics (formerly Invitae), Labcorp
Classification: Pathogenic for Idiopathic Pulmonary Hypertension. Last evaluated: 2018-08-07. Review status: criteria provided, single submitter. Criteria: Invitae Variant Classification Sherloc (09022015). Collection method: clinical testing. Allele origin: germline.
Comment: This variant is an out-of-frame deletion of the genomic region encompassing exons 4-8 of the BMPR2 gene. This is expected to create a premature translational stop signal and result in an absent or disrupted protein product. This variant has not been reported in the literature in individuals with BMPR2-related disease. Loss-of-function variants in BMPR2 are known to be pathogenic (PMID: 16429395). For these reasons, this variant has been classified as Pathogenic.

Labcorp Genetics (formerly Invitae), Labcorp
Classification: Pathogenic for Primary pulmonary hypertension. Last evaluated: 2018-08-01. Review status: criteria provided, single submitter. Criteria: Invitae Variant Classification Sherloc (09022015). Collection method: clinical testing. Allele origin: germline.
Comment: For these reasons, this variant has been classified as Pathogenic. This variant is an out-of-frame deletion of the genomic region encompassing exons 4-8 of the BMPR2 gene. This is expected to create a premature translational stop signal and result in an absent or disrupted protein product. This variant has not been reported in the literature in individuals with BMPR2-related disease. Loss-of-function variants in BMPR2 are known to be pathogenic (PMID: 16429395).

Literature cited by the submitters: PubMed 16429395.

NC_000002.12:g.(?_202513699)_(202530974_?)del

Gene: BMPR2 (bone morphogenetic protein receptor type 2; plus strand). Cytogenetic location: 2q33.2.
Variant type: Deletion.
Identifiers: ClinVar variation 658435 (VCV000658435.4).